The following is an entry in ClinVar:

NM_007294.4(BRCA1):c.665A>C (p.Lys222Thr)

Gene: BRCA1 (BRCA1 DNA repair associated; minus strand). Cytogenetic location: 17q21.31.
Variant type: single nucleotide variant.
Coding change: c.665A>C on transcript NM_007294.4 (MANE Select); coding-DNA position 665, A replaced by C.
Protein change: p.Lys222Thr; replaces lysine 222 with threonine.
Molecular consequence: missense variant. On other transcripts: non-coding transcript variant (1).
Genome position (GRCh38, 1-based): chr17:43,095,851, T>G on the plus strand (A>C on the coding strand, the complement: BRCA1 is on the minus strand). VCF-style: chr17-43095851-T-G. GRCh37 (hg19) VCF-style: chr17-41247868-T-G.
Other names: c.662A>C, p.Lys221Thr (NM_001407615.1, NM_001407627.1, NM_001407628.1 and 41 more transcripts); c.665A>C, p.Lys222Thr (NM_001407616.1, NM_001407617.1, NM_001407618.1 and 59 more transcripts); c.656A>C, p.Lys219Thr (NM_001407646.1, NM_001407647.1, NM_001408408.1); c.587A>C, p.Lys196Thr (NM_001407653.1, NM_001407654.1, NM_001407655.1 and 9 more transcripts); c.584A>C, p.Lys195Thr (NM_001407659.1, NM_001407660.1, NM_001407661.1 and 3 more transcripts); c.524A>C, p.Lys175Thr (NM_001407692.1, NM_001407694.1, NM_001407695.1 and 43 more transcripts); c.521A>C, p.Lys174Thr (NM_001407740.1, NM_001407741.1, NM_001407742.1 and 26 more transcripts); c.452A>C, p.Lys151Thr (NM_001407853.1, NM_001407894.1, NM_001407895.1 and 12 more transcripts); and 4 more; short protein forms K175T, K222T, K151T, K219T, K95T, K152T, K177T, K196T.
Identifiers: ClinVar variation 655049 (VCV000655049.4), dbSNP rs398122705, ClinGen allele CA10600771.
Genomic context (GRCh38, chr17:43,095,851, plus strand): 5'-TGTATCTACCCACTCTCTTTTCAGTGCCTGTTAAGTTGGCAAACTTTGCCATTACCCTTT[T>G]TTGCAGAATCCAAACTGATTTCATCCCTGGTTCCTTGAGGGGTGATTTGTAACAATTCTT-3'
Protein context (NP_009225.1, residues 212-232): TRDEISLDSA[Lys222Thr]KAACEFSETD

ClinVar aggregate classification (germline): Uncertain significance. Review status: criteria provided, multiple submitters, no conflicts (2 of 4 stars). 2 submissions from 2 submitters: Uncertain significance (2). Last evaluated 2025-05-07.

Conditions:
Hereditary breast ovarian cancer syndrome. Also called: Hereditary breast and ovarian cancer syndrome (HBOC); Hereditary breast and ovarian cancer; BRCA1- and BRCA2-Associated Hereditary Breast and Ovarian Cancer; Breast and ovarian cancer; Hereditary breast and ovarian cancer syndrome; Hereditary breast and/or ovarian cancer syndrome. Identifiers: Orphanet 145, MedGen C0677776, MeSH D061325, MONDO:0003582. Disease mechanism: loss of function.
Breast-ovarian cancer, familial, susceptibility to, 1 (BROVCA1). Also called: OVARIAN CANCER, SUSCEPTIBILITY TO; BRCA1 Hereditary Breast and Ovarian Cancer. Identifiers: Orphanet 145, MedGen C2676676, MONDO:0011450, OMIM 604370. Disease mechanism: loss of function.

Submissions (2):

Dasa
Classification: Uncertain significance for Breast-ovarian cancer, familial, susceptibility to, 1. Last evaluated: 2025-05-07. Review status: criteria provided, single submitter. Criteria: DASA Assertion Criteria. Collection method: clinical testing. Allele origin: germline.
Comment: NM_007294.4(BRCA1):c.665A>C (p.Lys222Thr) is a missense variant that results in the substitution of lysine with threonine. This variant is absent from population databases. The currently available literature and clinical evidence are not sufficient to establish a definitive association between this variant and the reported condition. Therefore, this variant is classified as a variant of uncertain significance.

Labcorp Genetics (formerly Invitae), Labcorp
Classification: Uncertain significance for Hereditary breast and ovarian cancer syndrome. Last evaluated: 2018-07-30. Review status: criteria provided, single submitter. Criteria: Invitae Variant Classification Sherloc (09022015). Collection method: clinical testing. Allele origin: germline.
Comment: This sequence change replaces lysine with threonine at codon 222 of the BRCA1 protein (p.Lys222Thr). The lysine residue is moderately conserved and there is a moderate physicochemical difference between lysine and threonine. This variant is not present in population databases (ExAC no frequency). This variant has not been reported in the literature in individuals with BRCA1-related disease. Algorithms developed to predict the effect of missense changes on protein structure and function (SIFT, PolyPhen-2, Align-GVGD) all suggest that this variant is likely to be tolerated, but these predictions have not been confirmed by published functional studies and their clinical significance is uncertain. In summary, the available evidence is currently insufficient to determine the role of this variant in disease. Therefore, it has been classified as a Variant of Uncertain Significance.